The following is an entry in ClinVar:

ClinVar aggregate classification (germline): Pathogenic (1 of 4 stars; one submission).

Conditions:
Bethlem myopathy 1A. Also called: Bethlem Muscular Dystrophy; MYOPATHY, BENIGN CONGENITAL, WITH CONTRACTURES; Bethlem myopathy 1. Identifiers: Orphanet 610, MedGen CN029274, MONDO:0024530, OMIM 158810.

Submission:

Labcorp Genetics (formerly Invitae), Labcorp
Classification: Pathogenic for Bethlem myopathy 1A. Last evaluated: 2019-09-02. Review status: criteria provided, single submitter. Criteria: Invitae Variant Classification Sherloc (09022015). Collection method: clinical testing. Allele origin: germline.
Comment: For these reasons, this variant has been classified as Pathogenic. Loss-of-function variants in COL6A3 are known to be pathogenic (PMID: 26004199). This variant has not been reported in the literature in individuals with COL6A3-related conditions. This variant is not present in population databases (ExAC no frequency). This sequence change creates a premature translational stop signal (p.Gln2761*) in the COL6A3 gene. It is expected to result in an absent or disrupted protein product.

Literature cited by the submitters: PubMed 26004199.

NM_004369.4(COL6A3):c.8281C>T (p.Gln2761Ter)

Gene: COL6A3 (collagen type VI alpha 3 chain; minus strand). Cytogenetic location: 2q37.3.
Variant type: single nucleotide variant.
Coding change: c.8281C>T on transcript NM_004369.4 (MANE Select); coding-DNA position 8281, C replaced by T.
Protein change: p.Gln2761Ter; replaces glutamine 2761 with a stop codon.
Molecular consequence: nonsense.
Genome position (GRCh38, 1-based): chr2:237,340,635, G>A on the plus strand (C>T on the coding strand, the complement: COL6A3 is on the minus strand). VCF-style: chr2-237340635-G-A. GRCh37 (hg19) VCF-style: chr2-238249278-G-A.
Other names: c.6460C>T, p.Gln2154Ter (NM_057166.5); c.7663C>T, p.Gln2555Ter (NM_057167.4); short protein forms Q2555*, Q2761*, Q2154*.
Identifiers: ClinVar variation 938749 (VCV000938749.8), dbSNP rs2076967147, ClinGen allele CA351195546.